The following is an entry in ClinVar:

NM_000138.5(FBN1):c.6866G>C (p.Cys2289Ser)

Gene: FBN1 (fibrillin 1; minus strand). Cytogenetic location: 15q21.1.
Variant type: single nucleotide variant.
Coding change: c.6866G>C on transcript NM_000138.5 (MANE Select); coding-DNA position 6866, G replaced by C.
Protein change: p.Cys2289Ser; replaces cysteine 2289 with serine.
Molecular consequence: missense variant.
Genome position (GRCh38, 1-based): chr15:48,430,676, C>G on the plus strand (G>C on the coding strand, the complement: FBN1 is on the minus strand). VCF-style: chr15-48430676-C-G. GRCh37 (hg19) VCF-style: chr15-48722873-C-G.
Other names: NM_000138.5(FBN1):c.6866G>C; p.Cys2289Ser; short protein forms C2289S.
Identifiers: ClinVar variation 632813 (VCV000632813.3), dbSNP rs1566894230, ClinGen allele CA392331872.

ClinVar aggregate classification (germline): Likely pathogenic. Review status: reviewed by expert panel (3 of 4 stars). 3 submissions from 3 submitters: Likely pathogenic (1). 2 of the submissions do not count toward it. Last evaluated 2024-08-22.

Conditions:
Marfan syndrome (MFS). Also called: FBN1-Related Marfan Syndrome; Marfan syndrome type 1; Marfan's syndrome; Marfan syndrome, classic; MARFAN SYNDROME, TYPE I. Identifiers: Orphanet 284963, Orphanet 558, MedGen C0024796, MONDO:0007947, OMIM 154700.

Submissions (3):

ClinGen FBN1 Variant Curation Expert Panel, ClinGen
Classification: Likely pathogenic for Marfan syndrome. Last evaluated: 2024-08-22. Review status: reviewed by expert panel. Criteria: Assertion Criteria VCEP FBN1 Version 1. Collection method: curation. Allele origin: germline. Inheritance: Autosomal dominant inheritance.
Comment: NM_00138 c.6866G>C is a missense variant in FBN1 predicted to cause a substitution of cysteine by serine at amino acid 2289 (p.Cys2289Ser). This variant is not reported in the literature in any individuals with Marfan syndrome (MFS). This variant has been reported once in ClinVar as Likely pathogenic and once as uncertain significance (Variation ID: 632813). This variant is not present in gnomAD (PM2_Sup; v4.0.0). This variant affects a cysteine residue in a calcium binding EGF domain. Cysteine residues are believed to be involved in the formation of disulfide bridges which are essential for the protein structure (PM1_strong). The constraint z-score for missense variants affecting FBN1 is 8.18 (PP2; v4.0.0). Computational prediction tools and conservation analysis suggest that this variant may impact the protein (REVEL: 0.992, PP3). In summary, this variant meets criteria to be classified as likely pathogenic for Marfan syndrome based on the ACMG/AMP criteria applied, as specified by the ClinGen FBN1 VCEP: PM1_Strong, PM2_Sup,PP3, PP2.

Clinical Genetics Laboratory, Region Ostergotland
Classification: Likely pathogenic for Marfan syndrome. Last evaluated: 2021-01-20. Review status: criteria provided, single submitter. Criteria: ACMG Guidelines, 2015. Collection method: clinical testing. Allele origin: germline. Affected: yes. Not counted in ClinVar's aggregate classification.
Comment: PM2, PP3, PS1

Women's Health and Genetics/Laboratory Corporation of America, LabCorp
Classification: Uncertain significance. Last evaluated: 2017-10-23. Review status: criteria provided, single submitter. Criteria: LabCorp Variant Classification Summary - May 2015. Collection method: clinical testing. Allele origin: germline. Not counted in ClinVar's aggregate classification.
Comment: Variant summary: The FBN1 c.6866G>C (p.Cys2289Ser) variant involves the alteration of a conserved nucleotide and 4/4 in silico tools predict a damaging outcome for this variant (SNPsandGO not captured due to low reliability index). This variant lies in a conserved region within a EGF-like domain (via InterPro). "The sulfhydryl group of cysteine is unique in its ability to participate in disulfide covalent cross-linkage. In fact, two thirds of fibrillin cysteine residues exist in the half-cystinyl form, suggesting their participation in intramolecular disulfide linkage. The cysteine residues in the EGF-like motif may also be necessary for intermolecular interactions with other fibrillin molecules or with other proteins (Dietz_1992)." Therefore, alteration of cysteine in this domain could disrupt disulfide binding, effecting secondary or tertiary structure or possibly impairing fibrillin interactions. This variant was not found in 30986 control chromosomes (gnomAD). The variant of interest has not, to our knowledge, been reported in affected individuals via publications and/or reputable databases/clinical diagnostic laboratories. However, other variants affecting the same codon have been reported in multiple affected individuals, c.6866G>T (Cys2289Phe) and c.6866G>A (p.Cys2289Tyr), therefore, further supporting the importance of Cys2289 for protein function. Taking together, the variant of interest has been classified as a "Variant of Uncertain Significance - Possibly Pathogenic."